The following is an entry in ClinVar:

NM_000051.4(ATM):c.6976-14C>T

Genes: ATM (ATM serine/threonine kinase; plus strand), C11orf65 (chromosome 11 open reading frame 65; minus strand). Cytogenetic location: 11q22.3.
Variant type: single nucleotide variant.
Coding change: c.6976-14C>T on transcript NM_000051.4 (MANE Select); 14 bases into the intron before coding-DNA position 6976, C replaced by T.
Molecular consequence: intron variant.
Genome position (GRCh38, 1-based): chr11:108,327,631, C>T. VCF-style: chr11-108327631-C-T. GRCh37 (hg19) VCF-style: chr11-108198358-C-T.
Other names: c.6976-14C>T (NM_001351834.2); c.641-18560G>A (NM_001330368.2); c.*38+7589G>A (NM_001351110.2).
Identifiers: ClinVar variation 3253791 (VCV003253791.1), dbSNP rs1412047109.
Genomic context (GRCh38, chr11:108,327,631, plus strand): 5'-CCCCGTACATGAAGGGCAGTTGGGTACAGTCATGGTAATGCATTATATTTTAAGATTTTG[C>T]CTTTCTTATACAGAACAATCCCAGCCTAAAACTTACATACACAGAATGTCTGAGGGTTTG-3'

ClinVar aggregate classification (germline): Likely benign (1 of 4 stars; one submission).

Conditions:
Familial cancer of breast. Also called: hereditary breast carcinoma; BREAST CANCER, FAMILIAL; Hereditary breast cancer. Identifiers: Orphanet 227535, MedGen C0346153, MONDO:0016419, OMIM 114480. Disease mechanism: loss of function.

Allele frequency attached by ClinVar (database versions not stated): gnomAD exomes below 0.00001.
gnomAD v4.1: 1 of 1,600,416 alleles (0.000062%); highest among the groups gnomAD compares: Non-Finnish European, 0.000086%; no homozygotes.

Submission:

Myriad Genetics, Inc.
Classification: Likely benign for Familial cancer of breast. Last evaluated: 2024-06-12. Review status: criteria provided, single submitter. Criteria: Myriad Autosomal Dominant, Autosomal Recessive and X-Linked Classification Criteria (2023). Collection method: clinical testing. Allele origin: unknown.
Comment: This variant is considered likely benign. This variant is intronic and is not expected to impact mRNA splicing.